The following is an entry in ClinVar:

ClinVar aggregate classification (germline): Uncertain significance (1 of 4 stars; one submission).

Conditions:
Inborn genetic diseases. Identifiers: MedGen C0950123, MeSH D030342.

Allele frequency attached by ClinVar (database versions not stated): TOPMed 0.00001.

Submission:

Ambry Genetics
Classification: Uncertain significance for Inborn genetic diseases. Last evaluated: 2019-12-11. Review status: criteria provided, single submitter. Criteria: Ambry Variant Classification Scheme 2023. Collection method: clinical testing. Allele origin: germline.
Comment: The p.L31S variant (also known as c.92T>C), located in coding exon 2 of the ATL3 gene, results from a T to C substitution at nucleotide position 92. The leucine at codon 31 is replaced by serine, an amino acid with dissimilar properties. This amino acid position is not well conserved in available vertebrate species. In addition, this alteration is predicted to be tolerated by in silico analysis. Since supporting evidence is limited at this time, the clinical significance of this alteration remains unclear.

NM_015459.5(ATL3):c.92T>C (p.Leu31Ser)

Gene: ATL3 (atlastin GTPase 3; minus strand). Cytogenetic location: 11q13.1.
Variant type: single nucleotide variant.
Coding change: c.92T>C on transcript NM_015459.5 (MANE Select); coding-DNA position 92, T replaced by C.
Protein change: p.Leu31Ser; replaces leucine 31 with serine.
Molecular consequence: missense variant.
Genome position (GRCh38, 1-based): chr11:63,659,207, A>G on the plus strand (T>C on the coding strand, the complement: ATL3 is on the minus strand). VCF-style: chr11-63659207-A-G. GRCh37 (hg19) VCF-style: chr11-63426679-A-G.
Other names: c.38T>C, p.Leu13Ser (NM_001290048.2); short protein forms L13S, L31S.
Identifiers: ClinVar variation 1766499 (VCV001766499.2), dbSNP rs1374976704, ClinGen allele CA381031264.